The following is an entry in ClinVar:

NM_000478.6(ALPL):c.863-46G>A

Gene: ALPL (alkaline phosphatase, biomineralization associated; plus strand). Cytogenetic location: 1p36.12.
Variant type: single nucleotide variant.
Coding change: c.863-46G>A on transcript NM_000478.6 (MANE Select); 46 bases into the intron before coding-DNA position 863, G replaced by A.
Molecular consequence: intron variant.
Genome position (GRCh38, 1-based): chr1:21,573,619, G>A. VCF-style: chr1-21573619-G-A. GRCh37 (hg19) VCF-style: chr1-21900112-G-A.
Other names: NC_000001.10:g.21900112G>A; c.863-46G>A (NM_001369805.2, NM_001369804.2, NM_001369803.2); c.698-46G>A (NM_001127501.4); c.632-46G>A (NM_001177520.3).
Identifiers: ClinVar variation 256236 (VCV000256236.9), dbSNP rs74063110, ClinGen allele CA666652.
Genomic context (GRCh38, chr1:21,573,619, plus strand): 5'-CTGGCTGTGGGGAGCCTGCATTCCCTGAGACACCCCAGCTTCCTTGGAGTCCTCCTAGCC[G>A]GGTCACAGCCTCTCAGCATCCACATCCTCCTGGCGTCCTCCTCAGGTCTCTTCGAGCCAG-3'

ClinVar aggregate classification (germline): Benign. Review status: criteria provided, multiple submitters, no conflicts (2 of 4 stars). 7 submissions from 5 submitters: Benign (7). Last evaluated 2025-08-29.

Conditions:
Hypophosphatasia. Also called: Phosphoethanol-aminuria. Identifiers: Orphanet 436, MedGen C0020630, MeSH D007014, MONDO:0018570.
Infantile hypophosphatasia. Identifiers: Orphanet 247651, Orphanet 436, MedGen C0268412, MONDO:1010169, OMIM 241500, MONDO:0009427.
Childhood hypophosphatasia. Identifiers: Orphanet 247667, Orphanet 436, MedGen C0220743, MONDO:1010168, OMIM 241510, MONDO:0009428.
Adult hypophosphatasia. Identifiers: Orphanet 247676, Orphanet 436, MedGen C0268413, MONDO:1010154, OMIM 146300, MONDO:0007798.

Allele frequency attached by ClinVar (database versions not stated): TOPMed 0.19706; ESP Exome Variant Server 0.15716; gnomAD 0.18536 and 0.18974; 1000 Genomes Project 30x 0.27046; 1000 Genomes Project 0.27177.
gnomAD v4.1: 233,561 of 1,597,136 alleles (15%); highest among the groups gnomAD compares: East Asian, 50%; 22,447 homozygotes.

Submissions (17):

Genomenon, Inc
Classification: Benign for Hypophosphatasia. Last evaluated: 2025-08-29. Review status: criteria provided, single submitter. Criteria: Genomenon Sequence Variant Interpretation Standards. Collection method: curation. Allele origin: germline. Affected: no.
Comment: ALPL c.863-46G>A is an intronic variant located in intron 8. This variant is present at high allele frequency in population databases. In conclusion, we classify ALPL c.863-46G>A as a benign variant.

Genome-Nilou Lab
Classification: Benign for Infantile hypophosphatasia. Last evaluated: 2021-07-01. Review status: criteria provided, single submitter. Criteria: ACMG Guidelines, 2015. Collection method: clinical testing. Allele origin: germline. Affected: no.

Genome-Nilou Lab
Classification: Benign for Childhood hypophosphatasia. Last evaluated: 2021-07-01. Review status: criteria provided, single submitter. Criteria: ACMG Guidelines, 2015. Collection method: clinical testing. Allele origin: germline. Affected: no.

Genome-Nilou Lab
Classification: Benign for Adult hypophosphatasia. Last evaluated: 2021-07-01. Review status: criteria provided, single submitter. Criteria: ACMG Guidelines, 2015. Collection method: clinical testing. Allele origin: germline. Affected: no.

GeneDx
Classification: Benign. Last evaluated: 2018-08-20. Review status: criteria provided, single submitter. Criteria: GeneDx Variant Classification Process June 2021. Collection method: clinical testing. Allele origin: germline. Affected: yes.

Breakthrough Genomics
Classification: Benign. Review status: criteria provided, single submitter. Criteria: ACMG Guidelines, 2015. Collection method: not provided. Allele origin: germline. Inheritance: Autosomal recessive inheritance. Affected: yes.

PreventionGenetics, part of Exact Sciences
Classification: Benign. Review status: criteria provided, single submitter. Criteria: ACMG Guidelines, 2015. Collection method: clinical testing. Allele origin: germline.

Dr. Peter K. Rogan Lab, Western University
No classification provided (evidence only). Condition: Hepatocellular carcinoma. Review status: no classification provided. Collection method: in vitro. Allele origin: not applicable. Functional consequence: skipped exon, retained intron. Not counted in ClinVar's aggregate classification.

Dr. Peter K. Rogan Lab, Western University
No classification provided (evidence only). Condition: Hepatocellular carcinoma. Review status: no classification provided. Collection method: in vitro. Allele origin: not applicable. Functional consequence: retained intron. Not counted in ClinVar's aggregate classification.

Dr. Peter K. Rogan Lab, Western University
No classification provided (evidence only). Condition: Cholangiocarcinoma. Review status: no classification provided. Collection method: in vitro. Allele origin: not applicable. Functional consequence: retained intron. Not counted in ClinVar's aggregate classification.

Dr. Peter K. Rogan Lab, Western University
No classification provided (evidence only). Condition: Cholangiocarcinoma. Review status: no classification provided. Collection method: in vitro. Allele origin: not applicable. Functional consequence: retained intron. Not counted in ClinVar's aggregate classification.

Dr. Peter K. Rogan Lab, Western University
No classification provided (evidence only). Condition: Uterine carcinosarcoma. Review status: no classification provided. Collection method: in vitro. Allele origin: not applicable. Functional consequence: skipped exon. Not counted in ClinVar's aggregate classification.

Dr. Peter K. Rogan Lab, Western University
No classification provided (evidence only). Condition: Uterine carcinosarcoma. Review status: no classification provided. Collection method: in vitro. Allele origin: not applicable. Functional consequence: skipped exon, retained intron. Not counted in ClinVar's aggregate classification.

Dr. Peter K. Rogan Lab, Western University
No classification provided (evidence only). Condition: Uterine carcinosarcoma. Review status: no classification provided. Collection method: in vitro. Allele origin: not applicable. Functional consequence: retained intron. Not counted in ClinVar's aggregate classification.

Dr. Peter K. Rogan Lab, Western University
No classification provided (evidence only). Condition: Uterine carcinosarcoma. Review status: no classification provided. Collection method: in vitro. Allele origin: not applicable. Functional consequence: skipped exon. Not counted in ClinVar's aggregate classification.

Dr. Peter K. Rogan Lab, Western University
No classification provided (evidence only). Condition: Uterine carcinosarcoma. Review status: no classification provided. Collection method: in vitro. Allele origin: not applicable. Functional consequence: skipped exon. Not counted in ClinVar's aggregate classification.

Dr. Peter K. Rogan Lab, Western University
No classification provided (evidence only). Condition: Uterine carcinosarcoma. Review status: no classification provided. Collection method: in vitro. Allele origin: not applicable. Functional consequence: retained intron. Not counted in ClinVar's aggregate classification.